The following is an entry in ClinVar:

NM_001014447.3(CPZ):c.1363+6G>T

Gene: CPZ (carboxypeptidase Z; plus strand). Cytogenetic location: 4p16.1.
Variant type: single nucleotide variant.
Coding change: c.1363+6G>T on transcript NM_001014447.3 (MANE Select); 6 bases into the intron after coding-DNA position 1363, G replaced by T.
Molecular consequence: intron variant.
Genome position (GRCh38, 1-based): chr4:8,612,168, G>T. VCF-style: chr4-8612168-G-T. GRCh37 (hg19) VCF-style: chr4-8613895-G-T.
Other names: c.952+6G>T (NM_001014448.3); c.1330+6G>T (NM_003652.4).
Identifiers: ClinVar variation 3055597 (VCV003055597.2), dbSNP rs28417411, ClinGen allele CA2853738.

ClinVar aggregate classification (germline): Benign (0 of 4 stars; one submission).

Conditions:
CPZ-related disorder. Also called: CPZ-related condition.

Allele frequency attached by ClinVar (database versions not stated): ExAC 0.03491; gnomAD 0.08533; 1000 Genomes Project 0.09205; TOPMed 0.09398; ESP Exome Variant Server 0.09720; 1000 Genomes Project 30x 0.09884.
gnomAD v4.1: 23,335 of 1,312,718 alleles (1.8%); highest among the groups gnomAD compares: African/African-American, 29%; 2,932 homozygotes.

Submission:

PreventionGenetics, part of Exact Sciences
Classification: Benign for CPZ-related condition. Last evaluated: 2019-12-20. Review status: no assertion criteria provided. Collection method: clinical testing. Allele origin: germline.
Comment: This variant is classified as benign based on ACMG/AMP sequence variant interpretation guidelines (Richards et al. 2015 PMID: 25741868, with internal and published modifications).